The following is an entry in ClinVar:

ClinVar aggregate classification (germline): Uncertain significance. Review status: criteria provided, multiple submitters, no conflicts (2 of 4 stars). 2 submissions from 2 submitters: Uncertain significance (2). Last evaluated 2024-12-29.

Conditions:
Inborn genetic diseases. Identifiers: MedGen C0950123, MeSH D030342.
Symmetrical dyschromatosis of extremities (DSH). Also called: DYSCHROMATOSIS SYMMETRICA HEREDITARIA 1; RETICULATE ACROPIGMENTATION OF DOHI; SYMMETRIC DYSCHROMATOSIS OF THE EXTREMITIES; Dyschromatosis symmetrica hereditaria. Identifiers: Orphanet 41, MedGen C0406775, MONDO:0007483, OMIM 127400.
Aicardi-Goutieres syndrome 6 (AGS6). Identifiers: Orphanet 51, MedGen C3539013, MONDO:0014007, OMIM 615010.

gnomAD v4.1: 3 of 1,614,204 alleles (0.00019%); highest among the groups gnomAD compares: Non-Finnish European, 0.00025%; no homozygotes.

Submissions (2):

Labcorp Genetics (formerly Invitae), Labcorp
Classification: Uncertain significance for Aicardi-Goutieres syndrome 6; Symmetrical dyschromatosis of extremities. Last evaluated: 2024-12-29. Review status: criteria provided, single submitter. Criteria: Invitae Variant Classification Sherloc (09022015). Collection method: clinical testing. Allele origin: germline.
Comment: This sequence change replaces glycine, which is neutral and non-polar, with valine, which is neutral and non-polar, at codon 471 of the ADAR protein (p.Gly471Val). This variant is not present in population databases (gnomAD no frequency). This variant has not been reported in the literature in individuals affected with ADAR-related conditions. ClinVar contains an entry for this variant (Variation ID: 2347153). Invitae Evidence Modeling of protein sequence and biophysical properties (such as structural, functional, and spatial information, amino acid conservation, physicochemical variation, residue mobility, and thermodynamic stability) indicates that this missense variant is not expected to disrupt ADAR protein function with a negative predictive value of 80%. In summary, the available evidence is currently insufficient to determine the role of this variant in disease. Therefore, it has been classified as a Variant of Uncertain Significance.

Ambry Genetics
Classification: Uncertain significance for Inborn genetic diseases. Last evaluated: 2022-01-18. Review status: criteria provided, single submitter. Criteria: Ambry Variant Classification Scheme 2023. Collection method: clinical testing. Allele origin: germline.

NM_001111.5(ADAR):c.1412G>T (p.Gly471Val)

Gene: ADAR (adenosine deaminase RNA specific; minus strand). Cytogenetic location: 1q21.3.
Variant type: single nucleotide variant.
Coding change: c.1412G>T on transcript NM_001111.5 (MANE Select); coding-DNA position 1412, G replaced by T.
Protein change: p.Gly471Val; replaces glycine 471 with valine.
Molecular consequence: missense variant.
Genome position (GRCh38, 1-based): chr1:154,601,230, C>A on the plus strand (G>T on the coding strand, the complement: ADAR is on the minus strand). VCF-style: chr1-154601230-C-A. GRCh37 (hg19) VCF-style: chr1-154573706-C-A.
Other names: c.527G>T, p.Gly176Val (NM_001025107.3, NM_001193495.2, NM_001365046.1 and 3 more transcripts); c.1439G>T, p.Gly480Val (NM_001365045.1); c.1412G>T, p.Gly471Val (NM_015840.4, NM_015841.4); short protein forms G480V, G176V, G471V.
Identifiers: ClinVar variation 2347153 (VCV002347153.4), dbSNP rs1697852164, ClinGen allele CA342596484.